The following is an entry in ClinVar:

NC_000016.9:g.(?_89986209)_(89987212_?)del

Gene: MC1R (melanocortin 1 receptor; plus strand). Cytogenetic location: 16q24.3.
Variant type: Deletion.
Identifiers: ClinVar variation 3243487 (VCV003243487.1).

ClinVar aggregate classification (germline): Uncertain significance (1 of 4 stars; one submission).

Conditions:
Melanoma, cutaneous malignant, susceptibility to, 5. Also called: Cutaneous malignant melanoma 5. Identifiers: Orphanet 618, MedGen C2751295, MONDO:0013133, OMIM 613099.

Submission:

Labcorp Genetics (formerly Invitae), Labcorp
Classification: Uncertain significance for Melanoma, cutaneous malignant, susceptibility to, 5. Last evaluated: 2021-07-19. Review status: criteria provided, single submitter. Criteria: Invitae Variant Classification Sherloc (09022015). Collection method: clinical testing. Allele origin: unknown.
Comment: In summary, the available evidence is currently insufficient to determine the role of this variant in disease. Therefore, it has been classified as a Variant of Uncertain Significance. Experimental studies and prediction algorithms are not available or were not evaluated, and the functional significance of this variant is currently unknown. ClinVar contains an entry for this variant (Variation ID: 857569). This variant has not been reported in the literature in individuals affected with MC1R-related conditions. This variant results in the deletion of part of exon 1 (c.544_*593del) of the MC1R gene. While this is not anticipated to result in nonsense mediated decay, it is expected to disrupt the last 136 amino acid(s) of the MC1R protein.